The following is an entry in ClinVar:

NM_006361.6(HOXB13):c.4G>C (p.Glu2Gln)

Gene: HOXB13 (homeobox B13; minus strand). Cytogenetic location: 17q21.32.
Variant type: single nucleotide variant.
Coding change: c.4G>C on transcript NM_006361.6 (MANE Select); coding-DNA position 4, G replaced by C.
Protein change: p.Glu2Gln; replaces glutamic acid 2 with glutamine.
Molecular consequence: missense variant.
Genome position (GRCh38, 1-based): chr17:48,728,590, C>G on the plus strand (G>C on the coding strand, the complement: HOXB13 is on the minus strand). VCF-style: chr17-48728590-C-G. GRCh37 (hg19) VCF-style: chr17-46805952-C-G.
Other names: short protein forms E2Q.
Identifiers: ClinVar variation 825360 (VCV000825360.12), dbSNP rs1370100687, ClinGen allele CA400110031.

ClinVar aggregate classification (germline): Uncertain significance. Review status: criteria provided, multiple submitters, no conflicts (2 of 4 stars). 2 submissions from 2 submitters: Uncertain significance (2). Last evaluated 2025-12-22.

Conditions:
Hereditary cancer-predisposing syndrome. Also called: Hereditary Cancer Syndrome; Tumor predisposition; Neoplastic Syndromes, Hereditary; Hereditary neoplastic syndrome. Identifiers: Orphanet 140162, MedGen C0027672, MeSH D009386, MONDO:0015356.

Allele frequency attached by ClinVar (database versions not stated): TOPMed below 0.00001.

Submissions (2):

Ambry Genetics
Classification: Uncertain significance for Hereditary cancer-predisposing syndrome. Last evaluated: 2025-12-22. Review status: criteria provided, single submitter. Criteria: Ambry Variant Classification Scheme 2023. Collection method: clinical testing. Allele origin: germline.
Comment: The p.E2Q variant (also known as c.4G>C), located in coding exon 1 of the HOXB13 gene, results from a G to C substitution at nucleotide position 4. The glutamic acid at codon 2 is replaced by glutamine, an amino acid with highly similar properties. This amino acid position is highly conserved through mammals but not in all available vertebrate species. In addition, the in silico prediction for this alteration is inconclusive. Since supporting evidence is limited at this time, the clinical significance of this alteration remains unclear.

Labcorp Genetics (formerly Invitae), Labcorp
Classification: Uncertain significance. Last evaluated: 2024-11-06. Review status: criteria provided, single submitter. Criteria: Invitae Variant Classification Sherloc (09022015). Collection method: clinical testing. Allele origin: germline.
Comment: This sequence change replaces glutamic acid, which is acidic and polar, with glutamine, which is neutral and polar, at codon 2 of the HOXB13 protein (p.Glu2Gln). This variant is not present in population databases (gnomAD no frequency). This variant has not been reported in the literature in individuals affected with HOXB13-related conditions. ClinVar contains an entry for this variant (Variation ID: 825360). An algorithm developed to predict the effect of missense changes on protein structure and function (PolyPhen-2) suggests that this variant is likely to be disruptive. In summary, the available evidence is currently insufficient to determine the role of this variant in disease. Therefore, it has been classified as a Variant of Uncertain Significance.